The following is an entry in ClinVar:

NM_000316.3(PTH1R):c.1710C>T (p.Gly570=)

Gene: PTH1R (parathyroid hormone 1 receptor; plus strand). Cytogenetic location: 3p21.31.
Variant type: single nucleotide variant.
Coding change: c.1710C>T on transcript NM_000316.3 (MANE Select); coding-DNA position 1710, C replaced by T.
Protein change: p.Gly570=; no amino-acid change (glycine 570 retained).
Molecular consequence: synonymous variant.
Genome position (GRCh38, 1-based): chr3:46,903,584, C>T. VCF-style: chr3-46903584-C-T. GRCh37 (hg19) VCF-style: chr3-46945074-C-T.
Other names: c.1710C>T, p.Gly570= (NM_001184744.1).
Identifiers: ClinVar variation 1169929 (VCV001169929.16), dbSNP rs112382430, ClinGen allele CA2359609.
Genomic context (GRCh38, chr3:46,903,584, plus strand): 5'-CACACCACCTGCCATGGCTGCTCCCAAGGACGATGGGTTCCTCAACGGCTCCTGCTCAGG[C>T]CTGGACGAGGAGGCCTCTGGGCCTGAGCGGCCACCTGCCCTGCTACAGGAAGAGTGGGAG-3'
Protein context (NP_000307.1, residues 560-580): DDGFLNGSCS[Gly570=]LDEEASGPER

ClinVar aggregate classification (germline): Conflicting classifications of pathogenicity. Review status: criteria provided, conflicting classifications (1 of 4 stars). 5 submissions from 5 submitters: Uncertain significance (2); Benign (1); Likely benign (1). 1 of the submissions does not count toward it. Last evaluated 2025-12-24.

Conditions:
Connective tissue disorder. Also called: Connective tissue disease. Identifiers: MedGen C0009782, MONDO:0003900.
PTH1R-related disorder. Also called: PTH1R-related condition.

Allele frequency attached by ClinVar (database versions not stated): gnomAD exomes 0.00007 and 0.00016; ExAC 0.00019; ESP Exome Variant Server 0.00046; 1000 Genomes Project 30x 0.00047; 1000 Genomes Project 0.00060; gnomAD 0.00078 and 0.00086; TOPMed 0.00107.
gnomAD v4.1: 236 of 1,613,678 alleles (0.015%); highest among the groups gnomAD compares: African/African-American, 0.27%; 1 homozygote.

Submissions (5):

Labcorp Genetics (formerly Invitae), Labcorp
Classification: Benign. Last evaluated: 2025-12-24. Review status: criteria provided, single submitter. Criteria: Invitae Variant Classification Sherloc (09022015). Collection method: clinical testing. Allele origin: germline.

ARUP Laboratories, Molecular Genetics and Genomics, ARUP Laboratories
Classification: Likely benign. Last evaluated: 2025-06-24. Review status: criteria provided, single submitter. Criteria: ARUP Molecular Germline Variant Investigation Process 2024. Collection method: clinical testing. Allele origin: germline.

GeneDx
Classification: Uncertain significance. Last evaluated: 2020-12-01. Review status: criteria provided, single submitter. Criteria: GeneDx Variant Classification Process June 2021. Collection method: clinical testing. Allele origin: germline. Affected: yes.
Comment: Has not been previously published as pathogenic or benign to our knowledge; In-silico analysis, which includes splice predictors and evolutionary conservation, is inconclusive as to whether the variant alters gene splicing. In the absence of RNA/functional studies, the actual effect of this sequence change is unknown.

Genome Diagnostics Laboratory, The Hospital for Sick Children
Classification: Uncertain significance for Connective tissue disorder. Last evaluated: 2020-03-01. Review status: criteria provided, single submitter. Criteria: ACMG Guidelines, 2015. Collection method: clinical testing. Allele origin: germline.

PreventionGenetics, part of Exact Sciences
Classification: Likely benign for PTH1R-related condition. Last evaluated: 2020-07-20. Review status: no assertion criteria provided. Collection method: clinical testing. Allele origin: germline. Not counted in ClinVar's aggregate classification.
Comment: This variant is classified as likely benign based on ACMG/AMP sequence variant interpretation guidelines (Richards et al. 2015 PMID: 25741868, with internal and published modifications).